The following is an entry in ClinVar:

NM_172362.3(KCNH1):c.2591A>G (p.Glu864Gly)

Gene: KCNH1 (potassium voltage-gated channel subfamily H member 1; minus strand). Cytogenetic location: 1q32.2.
Variant type: single nucleotide variant.
Coding change: c.2591A>G on transcript NM_172362.3 (MANE Select); coding-DNA position 2591, A replaced by G.
Protein change: p.Glu864Gly; replaces glutamic acid 864 with glycine.
Molecular consequence: missense variant.
Genome position (GRCh38, 1-based): chr1:210,683,660, T>C on the plus strand (A>G on the coding strand, the complement: KCNH1 is on the minus strand). VCF-style: chr1-210683660-T-C. GRCh37 (hg19) VCF-style: chr1-210857002-T-C.
Other names: c.2510A>G, p.Glu837Gly (NM_002238.4); short protein forms E864G, E837G.
Identifiers: ClinVar variation 2046489 (VCV002046489.4), dbSNP rs2546369552, ClinGen allele CA344870851.

ClinVar aggregate classification (germline): Uncertain significance (1 of 4 stars; one submission).

Submission:

Labcorp Genetics (formerly Invitae), Labcorp
Classification: Uncertain significance. Last evaluated: 2022-08-15. Review status: criteria provided, single submitter. Criteria: Invitae Variant Classification Sherloc (09022015). Collection method: clinical testing. Allele origin: germline.
Comment: This variant has not been reported in the literature in individuals affected with KCNH1-related conditions. Advanced modeling of protein sequence and biophysical properties (such as structural, functional, and spatial information, amino acid conservation, physicochemical variation, residue mobility, and thermodynamic stability) performed at Invitae indicates that this missense variant is not expected to disrupt KCNH1 protein function. This sequence change replaces glutamic acid, which is acidic and polar, with glycine, which is neutral and non-polar, at codon 864 of the KCNH1 protein (p.Glu864Gly). This variant is not present in population databases (gnomAD no frequency). In summary, the available evidence is currently insufficient to determine the role of this variant in disease. Therefore, it has been classified as a Variant of Uncertain Significance.